The following is an entry in ClinVar:

ClinVar aggregate classification (germline): Likely benign (1 of 4 stars; one submission).

Conditions:
SEMA3C-related disorder. Also called: SEMA3C-related condition.

gnomAD v4.1: 11 of 1,613,996 alleles (0.00068%); highest among the groups gnomAD compares: Non-Finnish European, 0.00093%; no homozygotes.

Submission:

PreventionGenetics, part of Exact Sciences
Classification: Likely benign for SEMA3C-related condition. Last evaluated: 2024-11-15. Review status: criteria provided, single submitter. Criteria: ACMG Guidelines, 2015. Collection method: clinical testing. Allele origin: germline.
Comment: This variant is classified as likely benign based on ACMG/AMP sequence variant interpretation guidelines (Richards et al. 2015 PMID: 25741868, with internal and published modifications).

NM_006379.5(SEMA3C):c.1275T>G (p.Thr425=)

Gene: SEMA3C (semaphorin 3C; minus strand). Cytogenetic location: 7q21.11.
Variant type: single nucleotide variant.
Coding change: c.1275T>G on transcript NM_006379.5 (MANE Select); coding-DNA position 1275, T replaced by G.
Protein change: p.Thr425=; no amino-acid change (threonine 425 retained).
Molecular consequence: synonymous variant.
Genome position (GRCh38, 1-based): chr7:80,789,385, A>C on the plus strand (T>G on the coding strand, the complement: SEMA3C is on the minus strand). VCF-style: chr7-80789385-A-C. GRCh37 (hg19) VCF-style: chr7-80418701-A-C.
Other names: c.1329T>G, p.Thr443= (NM_001350120.2); c.1101T>G, p.Thr367= (NM_001350121.2).
Identifiers: ClinVar variation 4977472 (VCV004977472.1).
Genomic context (GRCh38, chr7:80,789,385, plus strand): 5'-ATGGTATCTCCCATCAGCAGCGTTCACTCGATCCACAGCTATCTTTGTATACTTGTAGTC[A>C]GTGCCAATACGAACAATCAAAGGCCTTTTGTGGATTGGGTAGATGGAATTGTACATGAGA-3'
Protein context (NP_006370.1, residues 415-435): HKRPLIVRIG[Thr425=]DYKYTKIAVD